The following is an entry in ClinVar:

NM_001037131.3(AGAP1):c.368G>T (p.Arg123Ile)

Gene: AGAP1 (ArfGAP with GTPase domain, ankyrin repeat and PH domain 1; plus strand). Cytogenetic location: 2q37.2.
Variant type: single nucleotide variant.
Coding change: c.368G>T on transcript NM_001037131.3 (MANE Select); coding-DNA position 368, G replaced by T.
Protein change: p.Arg123Ile; replaces arginine 123 with isoleucine.
Molecular consequence: missense variant.
Genome position (GRCh38, 1-based): chr2:235,741,020, G>T. VCF-style: chr2-235741020-G-T. GRCh37 (hg19) VCF-style: chr2-236649664-G-T.
Other names: c.368G>T, p.Arg123Ile (NM_001244888.2, NM_001412122.1, NM_014914.5); short protein forms R123I.
Identifiers: ClinVar variation 2801388 (VCV002801388.3), dbSNP rs1450273587, ClinGen allele CA351161630.
Genomic context (GRCh38, chr2:235,741,020, plus strand): 5'-CAGGTGGCAGGTTCAAGAAAGAGATTGTCGTTGATGGACAGAGCTATCTGCTGCTGATCA[G>T]AGATGAAGGGGGCCCCCCGGAGGCGCAGGTGAGTATACATGCATGCCCCAAGCCTGCTTT-3'
Protein context (NP_001032208.1, residues 113-133): VDGQSYLLLI[Arg123Ile]DEGGPPEAQF

ClinVar aggregate classification (germline): Uncertain significance (1 of 4 stars; one submission).

Allele frequency attached by ClinVar (database versions not stated): gnomAD exomes below 0.00001; TOPMed below 0.00001.
gnomAD v4.1: 1 of 1,614,166 alleles (0.000062%); highest among the groups gnomAD compares: Admixed American, 0.0017%; no homozygotes.

Submission:

Labcorp Genetics (formerly Invitae), Labcorp
Classification: Uncertain significance. Last evaluated: 2023-03-13. Review status: criteria provided, single submitter. Criteria: Invitae Variant Classification Sherloc (09022015). Collection method: clinical testing. Allele origin: germline.
Comment: In summary, the available evidence is currently insufficient to determine the role of this variant in disease. Therefore, it has been classified as a Variant of Uncertain Significance. An algorithm developed to predict the effect of missense changes on protein structure and function (PolyPhen-2) suggests that this variant is likely to be disruptive. This variant has not been reported in the literature in individuals affected with AGAP1-related conditions. This variant is present in population databases (no rsID available, gnomAD 0.003%). This sequence change replaces arginine, which is basic and polar, with isoleucine, which is neutral and non-polar, at codon 123 of the AGAP1 protein (p.Arg123Ile).